The following is an entry in ClinVar:

ClinVar aggregate classification (germline): Likely pathogenic (1 of 4 stars; one submission).

Conditions:
Neuronal ceroid lipofuscinosis. Also called: Neuronal Ceroid Lipofuscinoses. Identifiers: Orphanet 216, Orphanet 79263, MedGen C0027877, MONDO:0016295. Disease mechanism: loss of function.

Submission:

Women's Health and Genetics/Laboratory Corporation of America, LabCorp
Classification: Likely pathogenic for Neuronal ceroid lipofuscinosis. Last evaluated: 2024-11-19. Review status: criteria provided, single submitter. Criteria: LabCorp Variant Classification Summary - May 2015. Collection method: clinical testing. Allele origin: germline.
Comment: Variant summary: TPP1 c.1075+2T>G is located in a canonical splice-site and is predicted to affect mRNA splicing resulting in a significantly altered protein due to either exon skipping, shortening, or inclusion of intronic material. Variants that disrupt the consensus splice site are a relatively common cause of aberrant splicing and loss of TPP1 function. Several computational tools predict a significant impact on normal splicing: Three predict the variant abolishes a 5' splicing donor site. However, these predictions have yet to be confirmed by functional studies. The variant was absent in 1612992 control chromosomes. c.1075+2T>G has been reported in the literature in the compound heterozygous state individuals affected with Neuronal Ceroid-Lipofuscinosis (Batten Disease) (Sleat_1999, Kousi_2012). These data indicate that the variant may be associated with disease. To our knowledge, no experimental evidence demonstrating an impact on protein function has been reported. The following publications have been ascertained in the context of this evaluation (PMID: 21990111, 10330339). ClinVar contains an entry for this variant (Variation ID: 965399). Based on the evidence outlined above, the variant was classified as likely pathogenic.

Literature cited by the submitters: PubMed 21990111; PubMed 10330339.

NM_000391.4(TPP1):c.1075+2T>G

Gene: TPP1 (tripeptidyl peptidase 1; minus strand). Cytogenetic location: 11p15.4.
Variant type: single nucleotide variant.
Coding change: c.1075+2T>G on transcript NM_000391.4 (MANE Select); the canonical splice donor site of the intron after coding-DNA position 1075, T replaced by G.
Molecular consequence: splice donor variant.
Genome position (GRCh38, 1-based): chr11:6,616,313, A>C on the plus strand (T>G on the coding strand, the complement: TPP1 is on the minus strand). VCF-style: chr11-6616313-A-C. GRCh37 (hg19) VCF-style: chr11-6637544-A-C.
Identifiers: ClinVar variation 3629999 (VCV003629999.1).
Genomic context (GRCh38, chr11:6,616,313, plus strand): 5'-GGAGTCAAAGCTCCCAGGCTGCAGAGGTGTAAGCATTGTCTAAGTTTAGGGTAGGAGGTC[A>C]CCTGAGGCGAAGAGCAGGGTGAGACCCCGAGCGGCAGCCTTCATGAGCTCAGTGTTGACC-3'